The following is an entry in ClinVar:

NM_001365276.2(TNXB):c.1216G>A (p.Gly406Ser)

Gene: TNXB (tenascin XB; minus strand). Cytogenetic location: 6p21.33.
Variant type: single nucleotide variant.
Coding change: c.1216G>A on transcript NM_001365276.2 (MANE Select); coding-DNA position 1216, G replaced by A.
Protein change: p.Gly406Ser; replaces glycine 406 with serine.
Molecular consequence: missense variant.
Genome position (GRCh38, 1-based): chr6:32,096,637, C>T on the plus strand (G>A on the coding strand, the complement: TNXB is on the minus strand). VCF-style: chr6-32096637-C-T. GRCh37 (hg19) VCF-style: chr6-32064414-C-T.
Other names: c.1216G>A, p.Gly406Ser (NM_019105.8); short protein forms G406S.
Identifiers: ClinVar variation 2206435 (VCV002206435.3), dbSNP rs1325904560, ClinGen allele CA363482942.
Genomic context (GRCh38, chr6:32,096,637, plus strand): 5'-TGTACCCCGGCCAGCACACGCAGCGGCCGTCCTCGCAGCGGCCCCTTTGGTTGCAGTCGC[C>T]AGGGCAGCTGCGCACGCCGCAGTCGTCCCCGCTGTAGCCCGTGTCGCAAATGCATTCGCC-3'
Protein context (NP_001352205.1, residues 396-416): GDDCGVRSCP[Gly406Ser]DCNQRGRCED

ClinVar aggregate classification (germline): Uncertain significance (1 of 4 stars; one submission).

Conditions:
Cardiovascular phenotype. Identifiers: MedGen CN230736.

gnomAD v4.1: 6 of 1,544,030 alleles (0.00039%); highest among the groups gnomAD compares: East Asian, 0.0025%; no homozygotes.

Submission:

Ambry Genetics
Classification: Uncertain significance for Cardiovascular phenotype. Last evaluated: 2024-10-24. Review status: criteria provided, single submitter. Criteria: Ambry Variant Classification Scheme 2023. Collection method: clinical testing. Allele origin: germline.
Comment: The p.G406S variant (also known as c.1216G>A), located in coding exon 2 of the TNXB gene, results from a G to A substitution at nucleotide position 1216. The glycine at codon 406 is replaced by serine, an amino acid with similar properties. This amino acid position is conserved. In addition, this alteration is predicted to be tolerated by in silico analysis. Based on the available evidence, the clinical significance of this variant remains unclear.